The following is an entry in ClinVar:

NC_000020.10:g.(?_61990880)_(62078210_?)dup

Genes: CHRNA4 (cholinergic receptor nicotinic alpha 4 subunit; minus strand), KCNQ2 (potassium voltage-gated channel subfamily Q member 2; minus strand). Cytogenetic location: 20q13.33.
Variant type: Duplication.
Identifiers: ClinVar variation 1008528 (VCV001008528.7).

ClinVar aggregate classification (germline): Uncertain significance. Review status: criteria provided, single submitter (1 of 4 stars). 2 submissions from 1 submitter: Uncertain significance (2). Last evaluated 2023-10-29.

Conditions:
Familial sleep-related hypermotor epilepsy. Also called: Autosomal Dominant Sleep-Related Hypermotor (Hyperkinetic) Epilepsy. Identifiers: Orphanet 98784, MedGen C3696898, MONDO:0000030.
Developmental and epileptic encephalopathy. Identifiers: MedGen C5779964, MONDO:0100620.

Submissions (2):

Labcorp Genetics (formerly Invitae), Labcorp
Classification: Uncertain significance for Early-infantile DEE. Last evaluated: 2023-10-29. Review status: criteria provided, single submitter. Criteria: Invitae Variant Classification Sherloc (09022015). Collection method: clinical testing. Allele origin: germline.
Comment: This variant results in a copy number gain of the genomic region encompassing exon(s) 2-17 of the KCNQ2 gene. This region includes the termination codon of the gene. This copy number gain extends beyond the assayed region for this gene and therefore may encompass additional genes. As the precise location of this event is unknown, it may be in tandem or it may be located elsewhere in the genome. This variant has not been reported in the literature in individuals affected with KCNQ2-related conditions. Experimental studies and prediction algorithms are not available or were not evaluated, and the functional significance of this variant is currently unknown. In summary, the available evidence is currently insufficient to determine the role of this variant in disease. Therefore, it has been classified as a Variant of Uncertain Significance.

Labcorp Genetics (formerly Invitae), Labcorp
Classification: Uncertain significance. Last evaluated: 2023-10-29. Review status: criteria provided, single submitter. Criteria: Invitae Variant Classification Sherloc (09022015). Collection method: clinical testing. Allele origin: germline.
Comment: This variant results in a copy number gain of the genomic region encompassing exon(s) 1-2 of the CHRNA4 gene. This region includes the initiator codon of the gene. This copy number gain extends beyond the assayed region for this gene and therefore may encompass additional genes. As the precise location of this event is unknown, it may be in tandem or it may be located elsewhere in the genome. This variant has not been reported in the literature in individuals affected with CHRNA4-related conditions. In summary, the available evidence is currently insufficient to determine the role of this variant in disease. Therefore, it has been classified as a Variant of Uncertain Significance.